The following is an entry in ClinVar:

ClinVar aggregate classification (germline): Uncertain significance (1 of 4 stars; one submission).

Submission:

Labcorp Genetics (formerly Invitae), Labcorp
Classification: Uncertain significance. Last evaluated: 2024-05-15. Review status: criteria provided, single submitter. Criteria: Invitae Variant Classification Sherloc (09022015). Collection method: clinical testing. Allele origin: germline.
Comment: This sequence change replaces proline, which is neutral and non-polar, with threonine, which is neutral and polar, at codon 232 of the TUFM protein (p.Pro232Thr). This variant is not present in population databases (gnomAD no frequency). This variant has not been reported in the literature in individuals affected with TUFM-related conditions. ClinVar contains an entry for this variant (Variation ID: 2132651). Advanced modeling of protein sequence and biophysical properties (such as structural, functional, and spatial information, amino acid conservation, physicochemical variation, residue mobility, and thermodynamic stability) performed at Invitae indicates that this missense variant is not expected to disrupt TUFM protein function with a negative predictive value of 80%. In summary, the available evidence is currently insufficient to determine the role of this variant in disease. Therefore, it has been classified as a Variant of Uncertain Significance.

NM_003321.5(TUFM):c.694C>A (p.Pro232Thr)

Gene: TUFM (Tu translation elongation factor, mitochondrial; minus strand). Cytogenetic location: 16p11.2.
Variant type: single nucleotide variant.
Coding change: c.694C>A on transcript NM_003321.5 (MANE Select); coding-DNA position 694, C replaced by A.
Protein change: p.Pro232Thr; replaces proline 232 with threonine.
Molecular consequence: missense variant.
Genome position (GRCh38, 1-based): chr16:28,844,542, G>T on the plus strand (C>A on the coding strand, the complement: TUFM is on the minus strand). VCF-style: chr16-28844542-G-T. GRCh37 (hg19) VCF-style: chr16-28855863-G-T.
Other names: c.694C>A, p.Pro232Thr (NM_001365360.2); short protein forms P232T.
Identifiers: ClinVar variation 2132651 (VCV002132651.4), dbSNP rs1961882575, ClinGen allele CA395416803.